The following is an entry in ClinVar:

ClinVar aggregate classification (germline): Uncertain significance (1 of 4 stars; one submission).

Conditions:
Long QT syndrome (LQTS). Identifiers: MedGen C0023976, MeSH D008133, MONDO:0002442. Disease mechanism: loss of function. Inheritance: Various modes of inheritance.

Allele frequency attached by ClinVar (database versions not stated): gnomAD exomes below 0.00001; TOPMed below 0.00001; ExAC 0.00001; gnomAD 0.00001.
gnomAD v4.1: 2 of 1,613,598 alleles (0.00012%); highest among the groups gnomAD compares: Admixed American, 0.0017%; no homozygotes.

Submission:

Labcorp Genetics (formerly Invitae), Labcorp
Classification: Uncertain significance for Long QT syndrome. Last evaluated: 2021-05-31. Review status: criteria provided, single submitter. Criteria: Invitae Variant Classification Sherloc (09022015). Collection method: clinical testing. Allele origin: germline.
Comment: In summary, the available evidence is currently insufficient to determine the role of this variant in disease. Therefore, it has been classified as a Variant of Uncertain Significance. Algorithms developed to predict the effect of missense changes on protein structure and function are either unavailable or do not agree on the potential impact of this missense change (SIFT: "Tolerated"; PolyPhen-2: "Probably Damaging"; Align-GVGD: "Class C0"). This variant has not been reported in the literature in individuals with CACNA1C-related conditions. This variant is present in population databases (rs755043734, ExAC 0.009%). This sequence change replaces glutamic acid with glycine at codon 869 of the CACNA1C protein (p.Glu869Gly). The glutamic acid residue is moderately conserved and there is a moderate physicochemical difference between glutamic acid and glycine.

NM_000719.7(CACNA1C):c.2606A>G (p.Glu869Gly)

Gene: CACNA1C (calcium voltage-gated channel subunit alpha1 C; plus strand). Cytogenetic location: 12p13.33.
Variant type: single nucleotide variant.
Coding change: c.2606A>G on transcript NM_000719.7 (MANE Select); coding-DNA position 2606, A replaced by G.
Protein change: p.Glu869Gly; replaces glutamic acid 869 with glycine.
Molecular consequence: missense variant.
Genome position (GRCh38, 1-based): chr12:2,593,288, A>G. VCF-style: chr12-2593288-A-G. GRCh37 (hg19) VCF-style: chr12-2702454-A-G.
Other names: c.2606A>G, p.Glu869Gly (NM_001129827.2, NM_001129829.2, NM_001129830.3 and 18 more transcripts); c.2597A>G, p.Glu866Gly (NM_001129844.2); short protein forms E869G, E866G.
Identifiers: ClinVar variation 1475179 (VCV001475179.8), dbSNP rs755043734, ClinGen allele CA6389015.